The following is an entry in ClinVar:

NM_000214.3(JAG1):c.3048+2T>A

Gene: JAG1 (jagged canonical Notch ligand 1; minus strand). Cytogenetic location: 20p12.2.
Variant type: single nucleotide variant.
Coding change: c.3048+2T>A on transcript NM_000214.3 (MANE Select); the canonical splice donor site of the intron after coding-DNA position 3048, T replaced by A.
Molecular consequence: splice donor variant.
Genome position (GRCh38, 1-based): chr20:10,641,111, A>T on the plus strand (T>A on the coding strand, the complement: JAG1 is on the minus strand). VCF-style: chr20-10641111-A-T. GRCh37 (hg19) VCF-style: chr20-10621759-A-T.
Identifiers: ClinVar variation 2820512 (VCV002820512.3), dbSNP rs2514508256, ClinGen allele CA408244387.

ClinVar aggregate classification (germline): Likely pathogenic (1 of 4 stars; one submission).

Conditions:
Alagille syndrome due to a JAG1 point mutation. Also called: Alagille Syndrome 1; HEPATIC DUCTULAR HYPOPLASIA, SYNDROMATIC; JAG1-Related Alagille Syndrome. Identifiers: Orphanet 261619, Orphanet 52, MedGen C1956125, MONDO:0016862, OMIM 118450.

Submission:

Labcorp Genetics (formerly Invitae), Labcorp
Classification: Likely pathogenic for Alagille syndrome due to a JAG1 point mutation. Last evaluated: 2022-12-13. Review status: criteria provided, single submitter. Criteria: Invitae Variant Classification Sherloc (09022015). Collection method: clinical testing. Allele origin: germline.
Comment: In summary, the currently available evidence indicates that the variant is pathogenic, but additional data are needed to prove that conclusively. Therefore, this variant has been classified as Likely Pathogenic. Algorithms developed to predict the effect of sequence changes on RNA splicing suggest that this variant may disrupt the consensus splice site. This variant has not been reported in the literature in individuals affected with JAG1-related conditions. This variant is not present in population databases (gnomAD no frequency). This sequence change affects a donor splice site in intron 24 of the JAG1 gene. It is expected to disrupt RNA splicing. Variants that disrupt the donor or acceptor splice site typically lead to a loss of protein function (PMID: 16199547), and loss-of-function variants in JAG1 are known to be pathogenic (PMID: 11180599).

Literature cited by the submitters: PubMed 16199547; PubMed 11180599.